The following is an entry in ClinVar:

NM_004656.4(BAP1):c.126T>C (p.Pro42=)

Gene: BAP1 (BRCA1 associated deubiquitinase 1; minus strand). Cytogenetic location: 3p21.1.
Variant type: single nucleotide variant.
Coding change: c.126T>C on transcript NM_004656.4 (MANE Select); coding-DNA position 126, T replaced by C.
Protein change: p.Pro42=; no amino-acid change (proline 42 retained).
Molecular consequence: synonymous variant.
Genome position (GRCh38, 1-based): chr3:52,408,603, A>G on the plus strand (T>C on the coding strand, the complement: BAP1 is on the minus strand). VCF-style: chr3-52408603-A-G. GRCh37 (hg19) VCF-style: chr3-52442619-A-G.
Identifiers: ClinVar variation 515124 (VCV000515124.8), dbSNP rs1156967472, ClinGen allele CA433778275.
Genomic context (GRCh38, chr3:52,408,603, plus strand): 5'-GACCTTTCGCCGGGACCGGCGCTCTTCGATCCATTTGAACAGGAAGATAAATCCATATAC[A>G]GGGCTGGGGGAAGTAAGGGGCAGAGCCAGATCAGCCAAAGGGGAGAAGACAATCAGCATT-3'
Protein context (NP_004647.1, residues 32-52): IYDLQSKCQG[Pro42=]VYGFIFLFKW

ClinVar aggregate classification (germline): Benign/Likely benign. Review status: criteria provided, multiple submitters, no conflicts (2 of 4 stars). 4 submissions from 4 submitters: Benign (1); Likely benign (3). Last evaluated 2025-01-28.

Conditions:
Hereditary cancer-predisposing syndrome. Also called: Hereditary Cancer Syndrome; Neoplastic Syndromes, Hereditary; Tumor predisposition; Hereditary neoplastic syndrome. Identifiers: Orphanet 140162, MedGen C0027672, MeSH D009386, MONDO:0015356.
BAP1-related tumor predisposition syndrome (TPDS1). Also called: COMMON Syndrome; TUMOR PREDISPOSITION SYNDROME 1; Tumor susceptibility linked to germline BAP1 mutations; BAP1 tumor predisposition syndrome. Identifiers: Orphanet 289539, MedGen C3280492, MONDO:0013692, OMIM 614327.

Allele frequency attached by ClinVar (database versions not stated): gnomAD 0.00001; TOPMed 0.00001.
gnomAD v4.1: 5 of 1,608,972 alleles (0.00031%); highest among the groups gnomAD compares: African/African-American, 0.0027%; no homozygotes.

Submissions (4):

Labcorp Genetics (formerly Invitae), Labcorp
Classification: Likely benign for BAP1-related tumor predisposition syndrome. Last evaluated: 2025-01-28. Review status: criteria provided, single submitter. Criteria: Invitae Variant Classification Sherloc (09022015). Collection method: clinical testing. Allele origin: germline.

Myriad Genetics, Inc.
Classification: Benign for BAP1-related tumor predisposition syndrome. Last evaluated: 2024-07-11. Review status: criteria provided, single submitter. Criteria: Myriad Autosomal Dominant, Autosomal Recessive and X-Linked Classification Criteria (2023). Collection method: clinical testing. Allele origin: unknown.
Comment: This variant is considered benign. This variant is a silent/synonymous amino acid change and it is not expected to impact splicing.

Ambry Genetics
Classification: Likely benign for Hereditary cancer-predisposing syndrome. Last evaluated: 2019-05-30. Review status: criteria provided, single submitter. Criteria: Ambry Variant Classification Scheme 2023. Collection method: clinical testing. Allele origin: germline.

GeneDx
Classification: Likely benign. Last evaluated: 2018-01-25. Review status: criteria provided, single submitter. Criteria: GeneDx Variant Classification (06012015). Collection method: clinical testing. Allele origin: germline. Affected: yes.
Comment: This variant is considered likely benign or benign based on one or more of the following criteria: it is a conservative change, it occurs at a poorly conserved position in the protein, it is predicted to be benign by multiple in silico algorithms, and/or has population frequency not consistent with disease.